The following is an entry in ClinVar:

ClinVar aggregate classification (germline): Likely pathogenic. Review status: criteria provided, multiple submitters, no conflicts (2 of 4 stars). 2 submissions from 2 submitters: Likely pathogenic (2). Last evaluated 2025-06-04.

Conditions:
Autosomal recessive limb-girdle muscular dystrophy type 2J (LGMDR10). Also called: Limb-girdle muscular dystrophy, type 2J; MUSCULAR DYSTROPHY, LIMB-GIRDLE, AUTOSOMAL RECESSIVE 10. Identifiers: Orphanet 140922, MedGen C1837342, MONDO:0012127, OMIM 608807.
Dilated cardiomyopathy 1G (CMD1G). Identifiers: Orphanet 154, MedGen C1858763, MONDO:0011400, OMIM 604145.

Allele frequency attached by ClinVar (database versions not stated): gnomAD exomes below 0.00001.
gnomAD v4.1: 1 of 1,613,266 alleles (0.000062%); highest among the groups gnomAD compares: Non-Finnish European, 0.000085%; no homozygotes.

Submissions (2):

Labcorp Genetics (formerly Invitae), Labcorp
Classification: Likely pathogenic for Dilated cardiomyopathy 1G; Autosomal recessive limb-girdle muscular dystrophy type 2J. Last evaluated: 2025-06-04. Review status: criteria provided, single submitter. Criteria: Invitae Variant Classification Sherloc (09022015). Collection method: clinical testing. Allele origin: germline.
Comment: This sequence change creates a premature translational stop signal (p.Gln22507*) in the TTN gene. While this is not anticipated to result in nonsense mediated decay, it is expected to create a truncated TTN protein. This variant is not present in population databases (gnomAD no frequency). This premature translational stop signal has been observed in individual(s) with clinical features of TTN-related conditions (PMID: 27796757). This variant is also known as p.Q13442X. ClinVar contains an entry for this variant (Variation ID: 620171). This variant is located in the A band of TTN (PMID: 25589632). Truncating variants in this region are significantly overrepresented in patients affected with dilated cardiomyopathy (PMID: 25589632). Truncating variants in this region have also been reported in individuals affected with autosomal recessive centronuclear myopathy (PMID: 23975875). In summary, the currently available evidence indicates that the variant is pathogenic, but additional data are needed to prove that conclusively. Therefore, this variant has been classified as Likely Pathogenic.

GeneDx
Classification: Likely pathogenic. Last evaluated: 2018-11-01. Review status: criteria provided, single submitter. Criteria: GeneDx Variant Classification (06012015). Collection method: clinical testing. Allele origin: germline. Affected: yes.
Comment: The Q20866X likely pathogenic variant in the TTN gene (reported as Q22507X due to the use of an alternate reference sequence) has been reported in a patient with myopathy who also harbored a missense variant in trans (Evila et al., 2016). This variant is predicted to cause loss of normal protein function either due to production of an abnormal, prematurely truncated protein, or by absence of protein product due to nonsense mediated mRNA decay. Other truncating TTN variants have been reported in approximately 3% of control alleles (Herman et al., 2012). However, Q20866X is located in the A-band region of titin, where the majority of truncating pathogenic variants associated with DCM have been reported (Herman et al., 2012). Furthermore, the Q20866X variant has not been observed in large population cohorts (Lek et al., 2016). In summary, Q20866X in the TTN gene is interpreted as a likely pathogenic variant.

Literature cited by the submitters: PubMed 27796757 (cited by Labcorp Genetics (formerly Invitae), Labcorp); PubMed 25589632 (cited by Labcorp Genetics (formerly Invitae), Labcorp); PubMed 23975875 (cited by Labcorp Genetics (formerly Invitae), Labcorp).

NM_001267550.2(TTN):c.67519C>T (p.Gln22507Ter)

Genes: TTN-AS1 (TTN antisense RNA 1; plus strand), TTN (titin; minus strand), LOC126806423 (CDK7 strongly-dependent group 2 enhancer GRCh37_chr2:179443309-179444508; plus strand). Cytogenetic location: 2q31.2.
Variant type: single nucleotide variant.
Coding change: c.67519C>T on transcript NM_001267550.2 (MANE Select); coding-DNA position 67519, C replaced by T.
Protein change: p.Gln22507Ter; replaces glutamine 22507 with a stop codon.
Molecular consequence: nonsense.
Genome position (GRCh38, 1-based): chr2:178,579,678, G>A on the plus strand (C>T on the coding strand, the complement: TTN is on the minus strand). VCF-style: chr2-178579678-G-A. GRCh37 (hg19) VCF-style: chr2-179444405-G-A.
Other names: c.62596C>T, p.Gln20866Ter (NM_001256850.1); c.40324C>T, p.Gln13442Ter (NM_003319.4); c.59815C>T, p.Gln19939Ter (NM_133378.4); c.40699C>T, p.Gln13567Ter (NM_133432.3); c.40900C>T, p.Gln13634Ter (NM_133437.4); short protein forms Q20866*, Q22507*, Q13442*, Q13567*, Q19939*, Q13634*.
Identifiers: ClinVar variation 620171 (VCV000620171.2), dbSNP rs1559490694, ClinGen allele CA349423577.